The following is an entry in ClinVar:

NM_000082.4(ERCC8):c.1148C>T (p.Pro383Leu)

Gene: ERCC8 (ERCC excision repair 8, CSA ubiquitin ligase complex subunit; minus strand). Cytogenetic location: 5q12.1.
Variant type: single nucleotide variant.
Coding change: c.1148C>T on transcript NM_000082.4 (MANE Select); coding-DNA position 1148, C replaced by T.
Protein change: p.Pro383Leu; replaces proline 383 with leucine.
Molecular consequence: missense variant.
Genome position (GRCh38, 1-based): chr5:60,874,658, G>A on the plus strand (C>T on the coding strand, the complement: ERCC8 is on the minus strand). VCF-style: chr5-60874658-G-A. GRCh37 (hg19) VCF-style: chr5-60170485-G-A.
Other names: c.974C>T, p.Pro325Leu (NM_001007233.3); c.689C>T, p.Pro230Leu (NM_001290285.2); short protein forms P230L, P325L, P383L.
Identifiers: ClinVar variation 1398886 (VCV001398886.7), dbSNP rs754566666, ClinGen allele CA3277584.

ClinVar aggregate classification (germline): Uncertain significance (1 of 4 stars; one submission).

Allele frequency attached by ClinVar (database versions not stated): ExAC 0.00001; gnomAD 0.00001; TOPMed 0.00001; gnomAD exomes 0.00002; 1000 Genomes Project 30x 0.00016.
gnomAD v4.1: 25 of 1,610,660 alleles (0.0016%); highest among the groups gnomAD compares: Middle Eastern, 0.017%; no homozygotes.

Submission:

Labcorp Genetics (formerly Invitae), Labcorp
Classification: Uncertain significance. Last evaluated: 2024-01-31. Review status: criteria provided, single submitter. Criteria: Invitae Variant Classification Sherloc (09022015). Collection method: clinical testing. Allele origin: germline.
Comment: This sequence change replaces proline, which is neutral and non-polar, with leucine, which is neutral and non-polar, at codon 383 of the ERCC8 protein (p.Pro383Leu). This variant is present in population databases (rs754566666, gnomAD 0.006%). This variant has not been reported in the literature in individuals affected with ERCC8-related conditions. ClinVar contains an entry for this variant (Variation ID: 1398886). Algorithms developed to predict the effect of missense changes on protein structure and function output the following: SIFT: "Not Available"; PolyPhen-2: "Benign"; Align-GVGD: "Not Available". The leucine amino acid residue is found in multiple mammalian species, which suggests that this missense change does not adversely affect protein function. In summary, the available evidence is currently insufficient to determine the role of this variant in disease. Therefore, it has been classified as a Variant of Uncertain Significance.